The following is an entry in ClinVar:

NM_004744.5(LRAT):c.46C>A (p.Leu16Met)

Gene: LRAT (lecithin retinol acyltransferase; plus strand). Cytogenetic location: 4q32.1.
Variant type: single nucleotide variant.
Coding change: c.46C>A on transcript NM_004744.5 (MANE Select); coding-DNA position 46, C replaced by A.
Protein change: p.Leu16Met; replaces leucine 16 with methionine.
Molecular consequence: missense variant.
Genome position (GRCh38, 1-based): chr4:154,744,372, C>A. VCF-style: chr4-154744372-C-A. GRCh37 (hg19) VCF-style: chr4-155665524-C-A.
Other names: c.46C>A, p.Leu16Met (NM_001301645.2); short protein forms L16M.
Identifiers: ClinVar variation 1967105 (VCV001967105.5), dbSNP rs776286118, ClinGen allele CA3115807.

ClinVar aggregate classification (germline): Uncertain significance (1 of 4 stars; one submission).

Allele frequency attached by ClinVar (database versions not stated): gnomAD exomes below 0.00001; TOPMed below 0.00001; ExAC 0.00001.

Submission:

Labcorp Genetics (formerly Invitae), Labcorp
Classification: Uncertain significance. Last evaluated: 2024-02-23. Review status: criteria provided, single submitter. Criteria: Invitae Variant Classification Sherloc (09022015). Collection method: clinical testing. Allele origin: germline.
Comment: This sequence change replaces leucine, which is neutral and non-polar, with methionine, which is neutral and non-polar, at codon 16 of the LRAT protein (p.Leu16Met). This variant is present in population databases (rs776286118, gnomAD 0.0009%). This variant has not been reported in the literature in individuals affected with LRAT-related conditions. ClinVar contains an entry for this variant (Variation ID: 1967105). An algorithm developed to predict the effect of missense changes on protein structure and function (PolyPhen-2) suggests that this variant is likely to be disruptive. In summary, the available evidence is currently insufficient to determine the role of this variant in disease. Therefore, it has been classified as a Variant of Uncertain Significance.